The following is an entry in ClinVar:

ClinVar aggregate classification (germline): Conflicting classifications of pathogenicity. Review status: criteria provided, conflicting classifications (1 of 4 stars). 4 submissions from 4 submitters: Uncertain significance (2); Likely benign (1). 1 of the submissions does not count toward it. Last evaluated 2025-12-28.

Conditions:
CC2D2A-related disorder. Also called: CC2D2A-related condition; CC2D2A-related disorders. Identifiers: MedGen CN239313.
Meckel-Gruber syndrome. Also called: Dysencephalia splachnocystica; DYSENCEPHALIA SPLANCHNOCYSTICA; GRUBER SYNDROME. Identifiers: Orphanet 564, MedGen C0265215, MONDO:0018921.
Joubert syndrome. Also called: Familial aplasia of the vermis; JOUBERT-BOLTSHAUSER SYNDROME. Identifiers: Orphanet 475, MedGen C5979921, MONDO:0018772.

Allele frequency attached by ClinVar (database versions not stated): gnomAD exomes 0.00004 and 0.00021; gnomAD 0.00011 and 0.00015; ExAC 0.00015; TOPMed 0.00017; 1000 Genomes Project 30x 0.00172; 1000 Genomes Project 0.00180.
gnomAD v4.1: 90 of 1,598,418 alleles (0.0056%); highest among the groups gnomAD compares: East Asian, 0.17%; no homozygotes.

Submissions (4):

Labcorp Genetics (formerly Invitae), Labcorp
Classification: Likely benign for Joubert syndrome; Meckel-Gruber syndrome. Last evaluated: 2025-12-28. Review status: criteria provided, single submitter. Criteria: Invitae Variant Classification Sherloc (09022015). Collection method: clinical testing. Allele origin: germline.

Eurofins Ntd Llc (ga)
Classification: Uncertain significance. Last evaluated: 2018-08-15. Review status: criteria provided, single submitter. Criteria: EGL ClinVar v180209 classification definitions. Collection method: clinical testing. Allele origin: germline. Observed: 3 variant alleles, 3 heterozygotes.

Center for Pediatric Genomic Medicine, Children's Mercy Hospital and Clinics
Classification: Uncertain significance. Last evaluated: 2017-06-02. Review status: criteria provided, single submitter. Criteria: ACMG Guidelines, 2015. Collection method: clinical testing. Allele origin: germline.

PreventionGenetics, part of Exact Sciences
Classification: Likely benign for CC2D2A-related condition. Last evaluated: 2023-11-06. Review status: no assertion criteria provided. Collection method: clinical testing. Allele origin: germline. Not counted in ClinVar's aggregate classification.
Comment: This variant is classified as likely benign based on ACMG/AMP sequence variant interpretation guidelines (Richards et al. 2015 PMID: 25741868, with internal and published modifications).

NM_001378615.1(CC2D2A):c.332C>T (p.Ala111Val)

Genes: CC2D2A (coiled-coil and C2 domain containing 2A; plus strand), FBXL5 (F-box and leucine rich repeat protein 5; minus strand). Cytogenetic location: 4p15.32.
Variant type: single nucleotide variant.
Coding change: c.332C>T on transcript NM_001378615.1 (MANE Select); coding-DNA position 332, C replaced by T.
Protein change: p.Ala111Val; replaces alanine 111 with valine.
Molecular consequence: missense variant.
Genome position (GRCh38, 1-based): chr4:15,502,513, C>T. VCF-style: chr4-15502513-C-T. GRCh37 (hg19) VCF-style: chr4-15504136-C-T.
Other names: c.332C>T, p.Ala111Val (NM_001080522.2); c.185C>T, p.Ala62Val (NM_001378617.1); short protein forms A111V, A62V.
Identifiers: ClinVar variation 445521 (VCV000445521.17), dbSNP rs137878385, ClinGen allele CA2863371.